The following is an entry in ClinVar:

ClinVar aggregate classification (germline): Uncertain significance (1 of 4 stars; one submission).

Conditions:
Microcephaly, normal intelligence and immunodeficiency (NBS). Also called: Immunodeficiency, microcephaly with normal intelligence; Nijmegen breakage syndrome; Ataxia telangiectasia variant V1; SEEMANOVA SYNDROME II; BERLIN BREAKAGE SYNDROME; IMMUNODEFICIENCY, MICROCEPHALY, AND CHROMOSOMAL INSTABILITY. Identifiers: Orphanet 647, MedGen C0398791, MONDO:0009623, OMIM 251260.

Submission:

Labcorp Genetics (formerly Invitae), Labcorp
Classification: Uncertain significance for Microcephaly, normal intelligence and immunodeficiency. Last evaluated: 2019-09-19. Review status: criteria provided, single submitter. Criteria: Invitae Variant Classification Sherloc (09022015). Collection method: clinical testing. Allele origin: germline.
Comment: This sequence change replaces isoleucine with threonine at codon 41 of the NBN protein (p.Ile41Thr). The isoleucine residue is highly conserved and there is a moderate physicochemical difference between isoleucine and threonine. This variant is not present in population databases (ExAC no frequency). This variant has not been reported in the literature in individuals with NBN-related conditions. Algorithms developed to predict the effect of missense changes on protein structure and function are either unavailable or do not agree on the potential impact of this missense change (SIFT: "Deleterious"; PolyPhen-2: "Probably Damaging"; Align-GVGD: "Class C0"). In summary, the available evidence is currently insufficient to determine the role of this variant in disease. Therefore, it has been classified as a Variant of Uncertain Significance.

NM_002485.5(NBN):c.122T>C (p.Ile41Thr)

Gene: NBN (nibrin; minus strand). Cytogenetic location: 8q21.3.
Variant type: single nucleotide variant.
Coding change: c.122T>C on transcript NM_002485.5 (MANE Select); coding-DNA position 122, T replaced by C.
Protein change: p.Ile41Thr; replaces isoleucine 41 with threonine.
Molecular consequence: missense variant. On other transcripts: 5 prime UTR variant (1).
Genome position (GRCh38, 1-based): chr8:89,982,771, A>G on the plus strand (T>C on the coding strand, the complement: NBN is on the minus strand). VCF-style: chr8-89982771-A-G. GRCh37 (hg19) VCF-style: chr8-90994999-A-G.
Other names: c.-175T>C (NM_001024688.3); short protein forms I41T.
Identifiers: ClinVar variation 958150 (VCV000958150.9), dbSNP rs1554569074, ClinGen allele CA371663101.